The following is an entry in ClinVar:

ClinVar aggregate classification (germline): Likely benign (1 of 4 stars; one submission).

Allele frequency attached by ClinVar (database versions not stated): TOPMed below 0.00001 and 0.00001; gnomAD 0.00001.
gnomAD v4.1: 2 of 1,596,788 alleles (0.00013%); highest among the groups gnomAD compares: Non-Finnish European, 0.00017%; no homozygotes.

Submission:

GeneDx
Classification: Likely benign. Last evaluated: 2017-03-15. Review status: criteria provided, single submitter. Criteria: GeneDx Variant Classification (06012015). Collection method: clinical testing. Allele origin: germline. Affected: yes.
Comment: This variant is considered likely benign or benign based on one or more of the following criteria: it is a conservative change, it occurs at a poorly conserved position in the protein, it is predicted to be benign by multiple in silico algorithms, and/or has population frequency not consistent with disease.

NM_001164508.2(NEB):c.-24A>G

Gene: NEB (nebulin; minus strand). Cytogenetic location: 2q23.3.
Variant type: single nucleotide variant.
Coding change: c.-24A>G on transcript NM_001164508.2 (MANE Select); 24 bases upstream of the start codon, A replaced by G.
Molecular consequence: 5 prime UTR variant.
Genome position (GRCh38, 1-based): chr2:151,733,180, T>C on the plus strand (A>G on the coding strand, the complement: NEB is on the minus strand). VCF-style: chr2-151733180-T-C. GRCh37 (hg19) VCF-style: chr2-152589694-T-C.
Other names: c.-24A>G (NM_001164507.2, NM_001271208.2, NM_004543.5).
Identifiers: ClinVar variation 507974 (VCV000507974.1), dbSNP rs1438185722, ClinGen allele CA658795894.